The following is an entry in ClinVar:

ClinVar aggregate classification (germline): Benign/Likely benign. Review status: criteria provided, multiple submitters, no conflicts (2 of 4 stars). 10 submissions from 10 submitters: Benign (7); Likely benign (2). 1 of the submissions does not count toward it. Last evaluated 2026-01-28.

Conditions:
TSC2-related disorder. Also called: TSC2-Related Disorders; TSC2-related condition.
Hereditary cancer-predisposing syndrome. Also called: Neoplastic Syndromes, Hereditary; Hereditary Cancer Syndrome; Tumor predisposition; Hereditary neoplastic syndrome. Identifiers: Orphanet 140162, MedGen C0027672, MeSH D009386, MONDO:0015356.
Tuberous sclerosis syndrome (TSC). Also called: Tuberous Sclerosis Complex; Tuberous sclerosis. Identifiers: Orphanet 805, MedGen C0041341, MONDO:0001734.
Tuberous sclerosis 2 (TSC2). Identifiers: Orphanet 805, MedGen C1860707, MONDO:0013199, OMIM 613254.

Allele frequency attached by ClinVar (database versions not stated): gnomAD exomes 0.00003 and 0.00007; ExAC 0.00010; 1000 Genomes Project 0.00040; gnomAD 0.00041; ESP Exome Variant Server 0.00046; 1000 Genomes Project 30x 0.00047; TOPMed 0.00048.
gnomAD v4.1: 120 of 1,610,958 alleles (0.0074%); highest among the groups gnomAD compares: African/African-American, 0.13%; no homozygotes.

Submissions (10):

Labcorp Genetics (formerly Invitae), Labcorp
Classification: Benign for Tuberous sclerosis 2. Last evaluated: 2026-01-28. Review status: criteria provided, single submitter. Criteria: Invitae Variant Classification Sherloc (09022015). Collection method: clinical testing. Allele origin: germline.

Myriad Genetics, Inc.
Classification: Benign for Tuberous sclerosis 2. Last evaluated: 2025-06-05. Review status: criteria provided, single submitter. Criteria: Myriad Autosomal Dominant, Autosomal Recessive and X-Linked Classification Criteria (2023). Collection method: clinical testing. Allele origin: unknown.
Comment: This variant is considered benign. This variant is a silent/synonymous amino acid change and it is not expected to impact splicing.

All of Us Research Program, National Institutes of Health
Classification: Benign for Tuberous sclerosis syndrome. Last evaluated: 2024-02-05. Review status: criteria provided, single submitter. Criteria: ACMG Guidelines, 2015. Collection method: clinical testing. Allele origin: germline. Inheritance: Autosomal dominant inheritance. Observed: 30 variant alleles, 30 heterozygotes.
Comment: This study involves interpretation of variants in research participants for the purpose of population health screening. Participant phenotype was not available at the time of variant classification. Additional details can be found in publication PMID: 35346344, PMCID: PMC8962531

Blueprint Genetics
Classification: Likely benign. Last evaluated: 2024-02-01. Review status: criteria provided, single submitter. Criteria: ACMG Guidelines, 2015. Collection method: clinical testing. Allele origin: germline.

Color Diagnostics, LLC DBA Color Health
Classification: Benign for Tuberous sclerosis syndrome. Last evaluated: 2022-10-20. Review status: criteria provided, single submitter. Criteria: ACMG Guidelines, 2015. Collection method: clinical testing. Allele origin: germline.

Genome-Nilou Lab
Classification: Benign for Tuberous sclerosis 2. Last evaluated: 2021-11-07. Review status: criteria provided, single submitter. Criteria: ACMG Guidelines, 2015. Collection method: clinical testing. Allele origin: germline. Affected: no.

Sema4
Classification: Benign for Hereditary cancer-predisposing syndrome. Last evaluated: 2021-08-24. Review status: criteria provided, single submitter. Criteria: Sema4 Curation Guidelines. Collection method: curation. Allele origin: germline.

GeneDx
Classification: Benign. Last evaluated: 2015-03-03. Review status: criteria provided, single submitter. Criteria: GeneDx Variant Classification Process June 2021. Collection method: clinical testing. Allele origin: germline. Affected: yes.

Ambry Genetics
Classification: Likely benign for Hereditary cancer-predisposing syndrome. Last evaluated: 2014-11-21. Review status: criteria provided, single submitter. Criteria: Ambry Variant Classification Scheme 2023. Collection method: clinical testing. Allele origin: germline.

PreventionGenetics, part of Exact Sciences
Classification: Likely benign for TSC2-related condition. Last evaluated: 2019-10-10. Review status: no assertion criteria provided. Collection method: clinical testing. Allele origin: germline. Not counted in ClinVar's aggregate classification.
Comment: This variant is classified as likely benign based on ACMG/AMP sequence variant interpretation guidelines (Richards et al. 2015 PMID: 25741868, with internal and published modifications).

NM_000548.5(TSC2):c.4869C>T (p.Thr1623=)

Gene: TSC2 (TSC complex subunit 2; plus strand). Cytogenetic location: 16p13.3.
Variant type: single nucleotide variant.
Coding change: c.4869C>T on transcript NM_000548.5 (MANE Select); coding-DNA position 4869, C replaced by T.
Protein change: p.Thr1623=; no amino-acid change (threonine 1623 retained).
Molecular consequence: synonymous variant.
Genome position (GRCh38, 1-based): chr16:2,086,751, C>T. VCF-style: chr16-2086751-C-T. GRCh37 (hg19) VCF-style: chr16-2136752-C-T.
Other names: c.4668C>T, p.Thr1556= (NM_001077183.3); c.4800C>T, p.Thr1600= (NM_001114382.3); c.4560C>T, p.Thr1520= (NM_001318827.2); c.4524C>T, p.Thr1508= (NM_001318829.2); c.4137C>T, p.Thr1379= (NM_001318831.2); c.4701C>T, p.Thr1567= (NM_001318832.2); c.4671C>T, p.Thr1557= (NM_001363528.2); c.4737C>T, p.Thr1579= (NM_001370404.1); and 2 more.
Identifiers: ClinVar variation 238068 (VCV000238068.29), dbSNP rs150239180, ClinGen allele CA052989.